The following is an entry in ClinVar:

NM_015338.6(ASXL1):c.1984G>A (p.Gly662Ser)

Gene: ASXL1 (ASXL transcriptional regulator 1; plus strand). Cytogenetic location: 20q11.21.
Variant type: single nucleotide variant.
Coding change: c.1984G>A on transcript NM_015338.6 (MANE Select); coding-DNA position 1984, G replaced by A.
Protein change: p.Gly662Ser; replaces glycine 662 with serine.
Molecular consequence: missense variant.
Genome position (GRCh38, 1-based): chr20:32,434,696, G>A. VCF-style: chr20-32434696-G-A. GRCh37 (hg19) VCF-style: chr20-31022499-G-A.
Other names: c.1801G>A, p.Gly601Ser (NM_001363734.1); short protein forms G601S, G662S.
Identifiers: ClinVar variation 3791617 (VCV003791617.1).

ClinVar aggregate classification (germline): Uncertain significance (1 of 4 stars; one submission).

Conditions:
Inborn genetic diseases. Identifiers: MedGen C0950123, MeSH D030342.

gnomAD v4.1: 2 of 1,606,076 alleles (0.00012%); highest among the groups gnomAD compares: Non-Finnish European, 0.000085%; no homozygotes.

Submission:

Ambry Genetics
Classification: Uncertain significance for Inborn genetic diseases. Last evaluated: 2024-12-22. Review status: criteria provided, single submitter. Criteria: Ambry Variant Classification Scheme 2023. Collection method: clinical testing. Allele origin: germline.
Comment: The p.G662S variant (also known as c.1984G>A), located in coding exon 13 of the ASXL1 gene, results from a G to A substitution at nucleotide position 1984. The glycine at codon 662 is replaced by serine, an amino acid with similar properties. This amino acid position is conserved. In addition, this alteration is predicted to be tolerated by in silico analysis. Based on the available evidence, the clinical significance of this variant remains unclear.